The following is an entry in ClinVar:

ClinVar aggregate classification (germline): Uncertain significance (1 of 4 stars; one submission).

Conditions:
Deafness-lymphedema-leukemia syndrome. Also called: Emberger syndrome; Lymphedema, primary, with myelodysplasia. Identifiers: Orphanet 3226, MedGen C3279664, MONDO:0013540, OMIM 614038.
Monocytopenia with susceptibility to infections. Also called: GATA2 DEFICIENCY; MONOCYTOPENIA AND MYCOBACTERIAL INFECTION SYNDROME; MONOCYTOPENIA WITH SUSCEPTIBILITY TO MYCOBACTERIAL, FUNGAL, AND PAPILLOMAVIRUS INFECTIONS AND MYELODYSPLASIA; COMBINED IMMUNODEFICIENCY WITH SUSCEPTIBILITY TO MYCOBACTERIAL, VIRAL, AND FUNGAL INFECTIONS; Dendritic cell, monocyte, B lymphocyte, and natural killer lymphocyte deficiency; IMMUNODEFICIENCY 21. Identifiers: Orphanet 228423, MedGen C3280030, MONDO:0013607, OMIM 614172.

Submission:

Labcorp Genetics (formerly Invitae), Labcorp
Classification: Uncertain significance for Monocytopenia with susceptibility to infections; Deafness-lymphedema-leukemia syndrome. Last evaluated: 2022-12-26. Review status: criteria provided, single submitter. Criteria: Invitae Variant Classification Sherloc (09022015). Collection method: clinical testing. Allele origin: germline.
Comment: This sequence change replaces serine, which is neutral and polar, with proline, which is neutral and non-polar, at codon 155 of the GATA2 protein (p.Ser155Pro). This variant is not present in population databases (gnomAD no frequency). This variant has not been reported in the literature in individuals affected with GATA2-related conditions. Advanced modeling of protein sequence and biophysical properties (such as structural, functional, and spatial information, amino acid conservation, physicochemical variation, residue mobility, and thermodynamic stability) performed at Invitae indicates that this missense variant is not expected to disrupt GATA2 protein function. Algorithms developed to predict the effect of sequence changes on RNA splicing suggest that this variant may disrupt the consensus splice site. In summary, the available evidence is currently insufficient to determine the role of this variant in disease. Therefore, it has been classified as a Variant of Uncertain Significance.

NM_032638.5(GATA2):c.463T>C (p.Ser155Pro)

Gene: GATA2 (GATA binding protein 2; minus strand). Cytogenetic location: 3q21.3.
Variant type: single nucleotide variant.
Coding change: c.463T>C on transcript NM_032638.5 (MANE Select); coding-DNA position 463, T replaced by C.
Protein change: p.Ser155Pro; replaces serine 155 with proline.
Molecular consequence: missense variant.
Genome position (GRCh38, 1-based): chr3:128,486,135, A>G on the plus strand (T>C on the coding strand, the complement: GATA2 is on the minus strand). VCF-style: chr3-128486135-A-G. GRCh37 (hg19) VCF-style: chr3-128204978-A-G.
Other names: c.463T>C, p.Ser155Pro (NM_001145661.2, NM_001145662.1); short protein forms S155P.
Identifiers: ClinVar variation 2931675 (VCV002931675.3), dbSNP rs2472931375, ClinGen allele CA354406702.